The following is an entry in ClinVar:

NM_001165963.4(SCN1A):c.1511G>T (p.Arg504Ile)

Gene: SCN1A (sodium voltage-gated channel alpha subunit 1; minus strand). Cytogenetic location: 2q24.3.
Variant type: single nucleotide variant.
Coding change: c.1511G>T on transcript NM_001165963.4 (MANE Select); coding-DNA position 1511, G replaced by T.
Protein change: p.Arg504Ile; replaces arginine 504 with isoleucine.
Molecular consequence: missense variant. On other transcripts: 5 prime UTR variant (1), non-coding transcript variant (1).
Genome position (GRCh38, 1-based): chr2:166,045,194, C>A on the plus strand (G>T on the coding strand, the complement: SCN1A is on the minus strand). VCF-style: chr2-166045194-C-A. GRCh37 (hg19) VCF-style: chr2-166901704-C-A.
Other names: c.1511G>T, p.Arg504Ile (NM_001165964.3, NM_001202435.3, NM_001353948.2 and 7 more transcripts); c.1508G>T, p.Arg503Ile (NM_001353954.2, NM_001353955.2, NM_001353960.2); c.-915G>T (NM_001353961.2); short protein forms R504I, R503I.
Identifiers: ClinVar variation 1519426 (VCV001519426.7), dbSNP rs2105851522, ClinGen allele CA349069549.

ClinVar aggregate classification (germline): Uncertain significance (1 of 4 stars; one submission).

Conditions:
Early-infantile DEE. Also called: Ohtahara syndrome; Early infantile epileptic encephalopathy; Early infantile epileptic encephalopathy with suppression bursts. Identifiers: Orphanet 1934, MedGen C0393706, MONDO:0800491.

Submission:

Labcorp Genetics (formerly Invitae), Labcorp
Classification: Uncertain significance for Early-infantile DEE. Last evaluated: 2021-12-14. Review status: criteria provided, single submitter. Criteria: Invitae Variant Classification Sherloc (09022015). Collection method: clinical testing. Allele origin: germline.
Comment: In summary, the available evidence is currently insufficient to determine the role of this variant in disease. Therefore, it has been classified as a Variant of Uncertain Significance. Algorithms developed to predict the effect of missense changes on protein structure and function (SIFT, PolyPhen-2, Align-GVGD) all suggest that this variant is likely to be disruptive. This variant has not been reported in the literature in individuals affected with SCN1A-related conditions. This variant is not present in population databases (gnomAD no frequency). This sequence change replaces arginine, which is basic and polar, with isoleucine, which is neutral and non-polar, at codon 504 of the SCN1A protein (p.Arg504Ile).